The following is an entry in ClinVar:

NM_025000.4(DCAF17):c.939G>A (p.Gln313=)

Gene: DCAF17 (DDB1 and CUL4 associated factor 17; plus strand). Cytogenetic location: 2q31.1.
Variant type: single nucleotide variant.
Coding change: c.939G>A on transcript NM_025000.4 (MANE Select); coding-DNA position 939, G replaced by A.
Protein change: p.Gln313=; no amino-acid change (glutamine 313 retained).
Molecular consequence: synonymous variant. On other transcripts: non-coding transcript variant (1).
Genome position (GRCh38, 1-based): chr2:171,468,988, G>A. VCF-style: chr2-171468988-G-A. GRCh37 (hg19) VCF-style: chr2-172325498-G-A.
Other names: p.Gln313=; c.939G>A, p.Gln313= (NM_001164821.2).
Identifiers: ClinVar variation 128891 (VCV000128891.22), dbSNP rs61731491, ClinGen allele CA152561.

ClinVar aggregate classification (germline): Benign. Review status: criteria provided, multiple submitters, no conflicts (2 of 4 stars). 7 submissions from 7 submitters: Benign (7). Last evaluated 2026-02-02.

Conditions:
Woodhouse-Sakati syndrome. Also called: Hypogonadism, diabetes mellitus, alopecia, mental retardation and electrocardiographic abnormalities; Hypogonadism, Alopecia, Diabetes Mellitus, Mental Retardation, and Extrapyramidal Syndrome; EXTRAPYRAMIDAL DISORDER, PROGRESSIVE, WITH PRIMARY HYPOGONADISM, MENTAL RETARDATION, AND ALOPECIA. Identifiers: Orphanet 3464, MedGen C0342286, MONDO:0009419, OMIM 241080.

Allele frequency attached by ClinVar (database versions not stated): gnomAD exomes 0.01102 and 0.00409; ExAC 0.01299; 1000 Genomes Project 0.03974; gnomAD 0.03993 and 0.04289; 1000 Genomes Project 30x 0.04450; TOPMed 0.04511; ESP Exome Variant Server 0.04567.
gnomAD v4.1: 12,364 of 1,614,050 alleles (0.77%); highest among the groups gnomAD compares: African/African-American, 13%; 722 homozygotes.

Submissions (7):

Labcorp Genetics (formerly Invitae), Labcorp
Classification: Benign for Woodhouse-Sakati syndrome. Last evaluated: 2026-02-02. Review status: criteria provided, single submitter. Criteria: Invitae Variant Classification Sherloc (09022015). Collection method: clinical testing. Allele origin: germline.

Mayo Clinic Laboratories, Mayo Clinic
Classification: Benign. Last evaluated: 2025-02-22. Review status: criteria provided, single submitter. Criteria: ACMG Guidelines, 2015. Collection method: clinical testing. Allele origin: germline. Observed: 3 variant alleles.

GeneDx
Classification: Benign. Last evaluated: 2018-08-17. Review status: criteria provided, single submitter. Criteria: GeneDx Variant Classification Process June 2021. Collection method: clinical testing. Allele origin: germline. Affected: yes.

Illumina Laboratory Services, Illumina
Classification: Benign for Woodhouse-Sakati syndrome. Last evaluated: 2018-01-13. Review status: criteria provided, single submitter. Criteria: ICSL Variant Classification Criteria 13 December 2019. Collection method: clinical testing. Allele origin: germline.
Comment: This variant was observed in the ICSL laboratory as part of a predisposition screen in an ostensibly healthy population. It had not been previously curated by ICSL or reported in the Human Gene Mutation Database (HGMD: prior to June 1st, 2018), and was therefore a candidate for classification through an automated scoring system. Utilizing variant allele frequency, disease prevalence and penetrance estimates, and inheritance mode, an automated score was calculated to assess if this variant is too frequent to cause the disease. Based on the score and internal cut-off values, a variant classified as benign is not then subjected to further curation. The score for this variant resulted in a classification of benign for this disease.

Genetic Services Laboratory, University of Chicago
Classification: Benign for AllHighlyPenetrant. Last evaluated: 2013-03-05. Review status: criteria provided, single submitter. Criteria: ACMG Guidelines, 2007. Collection method: clinical testing. Allele origin: germline. Inheritance: Autosomal recessive inheritance.

Breakthrough Genomics
Classification: Benign. Review status: criteria provided, single submitter. Criteria: ACMG Guidelines, 2015. Collection method: not provided. Allele origin: germline. Inheritance: Autosomal recessive inheritance. Affected: yes.

Clinical Genomics, Uppaluri K&H Personalized Medicine Clinic
Classification: Benign for Woodhouse-Sakati syndrome. Review status: criteria provided, single submitter. Criteria: K & H Uppaluri Personalized Medicine Clinic Variant Classification & Assertion Criteria_Updated V.1. Collection method: research. Allele origin: unknown. Inheritance: Autosomal recessive inheritance.
Comment: Mutations in DCAF17 have been associated with a rare syndrome called Woodhouse Sakati Syndrome, which can have diabetes mellitus as one of the presentations.However no sufficient evidence is found to ascertain the role of this particular variant rs61731491, yet.

Literature cited by the submitters: PubMed 31347785 (cited by Clinical Genomics, Uppaluri K&H Personalized Medicine Clinic); PubMed 35876063 (cited by Clinical Genomics, Uppaluri K&H Personalized Medicine Clinic); PubMed 27489925 (cited by Clinical Genomics, Uppaluri K&H Personalized Medicine Clinic).